The following is an entry in ClinVar:

NM_003024.3(ITSN1):c.1015CAA[2] (p.Gln341del)

Gene: ITSN1 (intersectin 1; plus strand). Cytogenetic location: 21q22.11.
Variant type: Microsatellite.
Coding change: c.1015CAA[2] on transcript NM_003024.3 (MANE Select); two copies in a row of the 3-base unit CAA starting at c.1015; the reference has three copies in a row; one copy, 3 bases deleted.
Protein change: p.Gln341del; deletes glutamine 341.
Genome position (GRCh38, 1-based): chr21:33,767,807-33,767,809, CAA deleted; deleting any 3 consecutive bases within chr21:33,767,799-33,767,809 gives the same sequence; the position shown is the placement nearest the transcript's 3' end. VCF-style (leftmost placement, unchanged base first): chr21-33767798-GAAC-G. GRCh37 (hg19) VCF-style: chr21-35140102-GAAC-G.
Other names: c.1015CAA[2], p.Gln341del (NM_001001132.2, NM_001331008.2, NM_001331009.2 and 2 more transcripts); c.904CAA[2], p.Gln304del (NM_001331012.2); short protein forms Q304del, Q341del.
Identifiers: ClinVar variation 3030407 (VCV003030407.2), dbSNP rs2517354086, ClinGen allele CA2654335764.

ClinVar aggregate classification (germline): Uncertain significance (0 of 4 stars; one submission).

Conditions:
ITSN1-related disorder. Also called: ITSN1-related condition.

Submission:

PreventionGenetics, part of Exact Sciences
Classification: Uncertain significance for ITSN1-related condition. Last evaluated: 2023-12-05. Review status: no assertion criteria provided. Collection method: clinical testing. Allele origin: germline.
Comment: The ITSN1 c.1021_1023delCAA variant is predicted to result in an in-frame deletion (p.Gln341del). To our knowledge, this variant has not been reported in the literature or in a large population database, indicating this variant is rare. At this time, the clinical significance of this variant is uncertain due to the absence of conclusive functional and genetic evidence.